The following is an entry in ClinVar:

NM_000018.4(ACADVL):c.1723dup (p.Leu575fs)

Gene: ACADVL (acyl-CoA dehydrogenase very long chain; plus strand). Cytogenetic location: 17p13.1.
Variant type: Duplication.
Coding change: c.1723dup on transcript NM_000018.4 (MANE Select); coding-DNA position 1723, one base duplicated (C; older notation c.1723dupC).
Protein change: p.Leu575fs; shifts the reading frame from leucine 575.
Molecular consequence: frameshift variant.
Genome position (GRCh38, 1-based): chr17:7,224,686, C duplicated; the last of 2 consecutive C bases (chr17:7,224,685-7,224,686); duplicating either gives the same sequence. VCF-style (leftmost placement, unchanged base first): chr17-7224684-A-AC. GRCh37 (hg19) VCF-style: chr17-7128003-A-AC.
Other names: NM_000018.4(ACADVL):c.1723dup; p.Leu575fs; c.1657dup, p.Leu553fs (NM_001033859.3); c.1792dup, p.Leu598fs (NM_001270447.2); c.1495dup, p.Leu499fs (NM_001270448.2); short protein forms L553fs, L598fs, L575fs, L499fs.
Identifiers: ClinVar variation 932834 (VCV000932834.3), dbSNP rs2071395312, ClinGen allele CA1139665159.

ClinVar aggregate classification (germline): Likely pathogenic. Review status: reviewed by expert panel (3 of 4 stars). 2 submissions from 2 submitters: Likely pathogenic (1). 1 of the submissions does not count toward it. Last evaluated 2023-03-27.

Conditions:
Very long chain acyl-CoA dehydrogenase deficiency (ACADVLD). Also called: Very Long-Chain Acyl-Coenzyme A Dehydrogenase Deficiency; VLCAD Deficiency. Identifiers: Orphanet 26793, MedGen C3887523, MONDO:0008723, OMIM 201475.

Submissions (2):

ClinGen ACADVL Variant Curation Expert Panel, ClinGen
Classification: Likely pathogenic for Very long chain acyl-CoA dehydrogenase deficiency. Last evaluated: 2023-03-27. Review status: reviewed by expert panel. Criteria: clingen acadvl acmg specifications v1. Collection method: curation. Allele origin: germline. Inheritance: Autosomal recessive inheritance.
Comment: The NM_000018.4(ACADVL):c.1723dup (p.Leu575Profs*17) variant in ACADVL is a frameshift variant predicted to cause a premature stop codon in biologically-relevant-exon 18 leading to nonsense mediated decay in a gene in which loss-of-function is an established disease mechanism (PVS1; PMIDs 9973285, 11590124). At least one individual with this variant was identified by newborn screen, but this information is insufficient for to use toward classification (PMID: 26385305). This variant is absent from gnomAD v2.1.1 (PM2_Supporting). In summary, this variant meets the criteria to be classified as likely pathogenic for autosomal recessive very long chain acyl-CoA dehydrogenase (VLCAD) deficiency based on the ACMG/AMP criteria applied, as specified by the ClinGen ACADVL Variant Curation Expert Panel: PVS1, PM2_Supporting.

Wong Mito Lab, Molecular and Human Genetics, Baylor College of Medicine
Classification: Pathogenic for Very long chain acyl-CoA dehydrogenase deficiency. Last evaluated: 2019-11-01. Review status: criteria provided, single submitter. Criteria: ACMG Guidelines, 2015. Collection method: clinical testing. Allele origin: germline. Not counted in ClinVar's aggregate classification.
Comment: The NM_000018.3:c.1723dupC (NP_000009.1:p.Leu575ProfsTer17) [GRCH38: NC_000017.11:g.7224686dup] variant in ACADVL gene is interpretated to be Pathogenic based on ACMG guidelines (PMID: 25741868). This variant has been reported. This variant meets the following evidence codes reported in the ACMG guidelines: PVS1, PS3